The following is an entry in ClinVar:

ClinVar aggregate classification (germline): Uncertain significance. Review status: criteria provided, multiple submitters, no conflicts (2 of 4 stars). 2 submissions from 2 submitters: Uncertain significance (2). Last evaluated 2023-10-01.

Allele frequency attached by ClinVar (database versions not stated): ExAC 0.00002; gnomAD 0.00002 and 0.00003.
gnomAD v4.1: 22 of 1,608,266 alleles (0.0014%); highest among the groups gnomAD compares: African/African-American, 0.0053%; no homozygotes.

Submissions (2):

CeGaT Center for Human Genetics Tuebingen
Classification: Uncertain significance. Last evaluated: 2023-10-01. Review status: criteria provided, single submitter. Criteria: CeGaT Center For Human Genetics Tuebingen Variant Classification Criteria Version 2. Collection method: clinical testing. Allele origin: germline. Affected: yes. Observed: 1 variant allele.
Comment: ESPN: PM2

GeneDx
Classification: Uncertain significance. Last evaluated: 2019-07-25. Review status: criteria provided, single submitter. Criteria: GeneDx Variant Classification Process June 2021. Collection method: clinical testing. Allele origin: germline. Affected: yes.
Comment: In silico analysis, which includes protein predictors and evolutionary conservation, supports a deleterious effect; Has not been previously published as pathogenic or benign to our knowledge

NM_031475.3(ESPN):c.2345G>A (p.Arg782Gln)

Gene: ESPN (espin; plus strand). Cytogenetic location: 1p36.31.
Variant type: single nucleotide variant.
Coding change: c.2345G>A on transcript NM_031475.3 (MANE Select); coding-DNA position 2345, G replaced by A.
Protein change: p.Arg782Gln; replaces arginine 782 with glutamine.
Molecular consequence: missense variant.
Genome position (GRCh38, 1-based): chr1:6,457,203, G>A. VCF-style: chr1-6457203-G-A. GRCh37 (hg19) VCF-style: chr1-6517263-G-A.
Other names: c.2255G>A, p.Arg752Gln (NM_001367473.1); c.2282G>A, p.Arg761Gln (NM_001367474.1); short protein forms R752Q, R761Q, R782Q.
Identifiers: ClinVar variation 1307283 (VCV001307283.26), dbSNP rs764608871, ClinGen allele CA560461.